The following is an entry in ClinVar:

ClinVar aggregate classification (germline): Conflicting classifications of pathogenicity. Review status: criteria provided, conflicting classifications (1 of 4 stars). 6 submissions from 6 submitters: Likely pathogenic (4); Uncertain significance (1). 1 of the submissions does not count toward it. Last evaluated 2026-01-26.

Conditions:
CLCN4-related disorder. Identifiers: MedGen CN232948.
Intellectual disability, X-linked 49 (MRXSRC). Also called: MENTAL RETARDATION, X-LINKED 15; CLCN4-related X-linked intellectual disability syndrome; RAYNAUD-CLAES SYNDROME; MRX49; CLCN4-Related Neurodevelopmental Disorder. Identifiers: Orphanet 485350, Orphanet 777, MedGen C0796221, MONDO:0010250, OMIM 300114.

Submissions (6):

Medical and Scientific Branch, Hong Kong Genome Institute
Classification: Likely pathogenic for Intellectual disability, X-linked 49. Last evaluated: 2026-01-26. Review status: criteria provided, single submitter. Criteria: ACMG Guidelines, 2015. Collection method: clinical testing. Allele origin: maternal. Affected: yes.

GeneDx
Classification: Likely pathogenic. Last evaluated: 2026-01-22. Review status: criteria provided, single submitter. Criteria: GeneDx Variant Classification Process June 2021. Collection method: clinical testing. Allele origin: germline.
Comment: In silico analysis supports that this missense variant has a deleterious effect on protein structure/function; Not observed at significant frequency in large population cohorts (gnomAD); This variant is associated with the following publications: (PMID: 37359369, 31452935, 35982159)

Labcorp Genetics (formerly Invitae), Labcorp
Classification: Likely pathogenic. Last evaluated: 2025-03-17. Review status: criteria provided, single submitter. Criteria: Invitae Variant Classification Sherloc (09022015). Collection method: clinical testing. Allele origin: germline.
Comment: This sequence change replaces arginine, which is basic and polar, with tryptophan, which is neutral and slightly polar, at codon 723 of the CLCN4 protein (p.Arg723Trp). This variant is not present in population databases (gnomAD no frequency). This missense change has been observed in individual(s) with CLCN4-related conditions (PMID: 31452935, 35982159, 37359369). It has also been observed to segregate with disease in related individuals. ClinVar contains an entry for this variant (Variation ID: 964595). Invitae Evidence Modeling of protein sequence and biophysical properties (such as structural, functional, and spatial information, amino acid conservation, physicochemical variation, residue mobility, and thermodynamic stability) indicates that this missense variant is expected to disrupt CLCN4 protein function with a positive predictive value of 95%. In summary, the currently available evidence indicates that the variant is pathogenic, but additional data are needed to prove that conclusively. Therefore, this variant has been classified as Likely Pathogenic.

PreventionGenetics, part of Exact Sciences
Classification: Likely pathogenic for CLCN4-related condition. Last evaluated: 2022-08-31. Review status: criteria provided, single submitter. Criteria: ACMG Guidelines, 2015. Collection method: clinical testing. Allele origin: germline.
Comment: The CLCN4 c.2167C>T variant is predicted to result in the amino acid substitution p.Arg723Trp. This variant was reported with de novo occurrence in an individual with Autism spectrum disorder (Feliciano et al 2019. PubMed ID: 31452935). This variant has not been reported in a large population database, indicating this variant is rare. This variant is interpreted as likely pathogenic.

3billion
Classification: Uncertain significance for Intellectual disability, X-linked 49. Last evaluated: 2022-05-22. Review status: criteria provided, single submitter. Criteria: ACMG Guidelines, 2015. Collection method: clinical testing. Allele origin: germline. Affected: yes. Observed: 1 hemizygote.
Comment: The variant is not observed in the gnomAD v2.1.1 dataset. Missense changes are a common disease-causing mechanism. In silico tool predictions suggest damaging effect of the variant on gene or gene product (REVEL: 0.87; 3Cnet: 0.62). Therefore, this variant is classified as uncertain significanceaccording to the recommendation of ACMG/AMP guideline.

Rare Genetic Disease Lab, Dept of Zoology, Government Postgraduate College Dargai Malakand, Higher Education Govt. of Khyber Pakhtunkhwa
Classification: Uncertain significance for Intellectual disability, X-linked 49. Review status: no assertion criteria provided. Criteria: ACMG Guidelines, 2015. Collection method: research. Allele origin: germline. Inheritance: X-linked inheritance. Affected: yes. Observed: 3 variant alleles, 1 heterozygote, 2 hemizygotes. Not counted in ClinVar's aggregate classification.

Literature cited by the submitters: PubMed 31452935 (cited by Labcorp Genetics (formerly Invitae), Labcorp); PubMed 35982159 (cited by Labcorp Genetics (formerly Invitae), Labcorp); PubMed 37359369 (cited by Labcorp Genetics (formerly Invitae), Labcorp).

NM_001830.4(CLCN4):c.2167C>T (p.Arg723Trp)

Gene: CLCN4 (Cl-/H+ antiporter 4; plus strand). Cytogenetic location: Xp22.2.
Variant type: single nucleotide variant.
Coding change: c.2167C>T on transcript NM_001830.4 (MANE Select); coding-DNA position 2167, C replaced by T.
Protein change: p.Arg723Trp; replaces arginine 723 with tryptophan.
Molecular consequence: missense variant.
Genome position (GRCh38, 1-based): chrX:10,220,852, C>T. VCF-style: chrX-10220852-C-T. GRCh37 (hg19) VCF-style: chrX-10188892-C-T.
Other names: c.1885C>T, p.Arg629Trp (NM_001256944.2); short protein forms R629W, R723W.
Identifiers: ClinVar variation 964595 (VCV000964595.19), dbSNP rs1924842665, ClinGen allele CA412044900.
Genomic context (GRCh38, chrX:10,220,852, plus strand): 5'-ACAGTGACAGACCACACTCCGATGGAAACGGTGGTGGATATCTTCCGGAAACTGGGGCTT[C>T]GGCAGTGCCTGGTGACGCGGAGCGGGTGAGTAGCCGGACATGTGGCCAGAATGACCTAGG-3'
Protein context (NP_001821.2, residues 713-733): VVDIFRKLGL[Arg723Trp]QCLVTRSGRL